The following is an entry in ClinVar:

NM_001042492.3(NF1):c.7318G>A (p.Ala2440Thr)

Gene: NF1 (neurofibromin 1; plus strand). Cytogenetic location: 17q11.2.
Variant type: single nucleotide variant.
Coding change: c.7318G>A on transcript NM_001042492.3 (MANE Select); coding-DNA position 7318, G replaced by A.
Protein change: p.Ala2440Thr; replaces alanine 2440 with threonine.
Molecular consequence: missense variant.
Genome position (GRCh38, 1-based): chr17:31,349,248, G>A. VCF-style: chr17-31349248-G-A. GRCh37 (hg19) VCF-style: chr17-29676266-G-A.
Other names: c.7255G>A, p.Ala2419Thr (NM_000267.4); short protein forms A2440T, A2419T.
Identifiers: ClinVar variation 3404870 (VCV003404870.1).

ClinVar aggregate classification (germline): Uncertain significance (1 of 4 stars; one submission).

Conditions:
Hereditary cancer-predisposing syndrome. Also called: Hereditary Cancer Syndrome; Tumor predisposition; Hereditary neoplastic syndrome; Neoplastic Syndromes, Hereditary. Identifiers: Orphanet 140162, MedGen C0027672, MeSH D009386, MONDO:0015356.
Cardiovascular phenotype. Identifiers: MedGen CN230736.

gnomAD v4.1: 1 of 1,612,422 alleles (0.000062%); highest among the groups gnomAD compares: South Asian, 0.0011%; no homozygotes.

Submission:

Ambry Genetics
Classification: Uncertain significance for Cardiovascular phenotype; Hereditary cancer-predisposing syndrome. Last evaluated: 2024-11-13. Review status: criteria provided, single submitter. Criteria: Ambry Variant Classification Scheme 2023. Collection method: clinical testing. Allele origin: germline.
Comment: The p.A2419T variant (also known as c.7255G>A), located in coding exon 48 of the NF1 gene, results from a G to A substitution at nucleotide position 7255. The alanine at codon 2419 is replaced by threonine, an amino acid with similar properties. This amino acid position is highly conserved in available vertebrate species. In addition, this alteration is predicted to be tolerated by in silico analysis. Based on the available evidence, the clinical significance of this variant remains unclear.